The following is an entry in ClinVar:

ClinVar aggregate classification (germline): Uncertain significance. Review status: criteria provided, multiple submitters, no conflicts (2 of 4 stars). 2 submissions from 2 submitters: Uncertain significance (2). Last evaluated 2023-08-23.

Allele frequency attached by ClinVar (database versions not stated): TOPMed 0.00002.

Submissions (2):

Labcorp Genetics (formerly Invitae), Labcorp
Classification: Uncertain significance. Last evaluated: 2023-08-23. Review status: criteria provided, single submitter. Criteria: Invitae Variant Classification Sherloc (09022015). Collection method: clinical testing. Allele origin: germline.
Comment: Advanced modeling of protein sequence and biophysical properties (such as structural, functional, and spatial information, amino acid conservation, physicochemical variation, residue mobility, and thermodynamic stability) performed at Invitae indicates that this missense variant is expected to disrupt PROM1 protein function. In summary, the available evidence is currently insufficient to determine the role of this variant in disease. Therefore, it has been classified as a Variant of Uncertain Significance. This variant has not been reported in the literature in individuals affected with PROM1-related conditions. This variant is present in population databases (no rsID available, gnomAD 0.006%). This sequence change replaces leucine, which is neutral and non-polar, with phenylalanine, which is neutral and non-polar, at codon 533 of the PROM1 protein (p.Leu533Phe).

Blueprint Genetics
Classification: Uncertain significance. Last evaluated: 2022-09-22. Review status: criteria provided, single submitter. Criteria: ACMG Guidelines, 2015. Collection method: clinical testing. Allele origin: germline.

NM_006017.3(PROM1):c.1599A>C (p.Leu533Phe)

Gene: PROM1 (prominin 1; minus strand). Cytogenetic location: 4p15.32.
Variant type: single nucleotide variant.
Coding change: c.1599A>C on transcript NM_006017.3 (MANE Select); coding-DNA position 1599, A replaced by C.
Protein change: p.Leu533Phe; replaces leucine 533 with phenylalanine.
Molecular consequence: missense variant.
Genome position (GRCh38, 1-based): chr4:15,998,468, T>G on the plus strand (A>C on the coding strand, the complement: PROM1 is on the minus strand). VCF-style: chr4-15998468-T-G. GRCh37 (hg19) VCF-style: chr4-16000091-T-G.
Other names: c.1572A>C, p.Leu524Phe (NM_001145847.2, NM_001145848.2, NM_001145851.2 and 4 more transcripts); c.1599A>C, p.Leu533Phe (NM_001145849.2, NM_001145850.2); short protein forms L524F, L533F.
Identifiers: ClinVar variation 2875796 (VCV002875796.4), dbSNP rs1164592796, ClinGen allele CA356432023.